The following is an entry in ClinVar:

ClinVar aggregate classification (germline): Likely benign (1 of 4 stars; one submission).

Allele frequency attached by ClinVar (database versions not stated): gnomAD 0.00001; TOPMed 0.00001.
gnomAD v4.1: 15 of 857,804 alleles (0.0017%); highest among the groups gnomAD compares: Non-Finnish European, 0.0024%; no homozygotes.

Submission:

GeneDx
Classification: Likely benign. Last evaluated: 2017-11-20. Review status: criteria provided, single submitter. Criteria: GeneDx Variant Classification (06012015). Collection method: clinical testing. Allele origin: germline. Affected: yes.
Comment: This variant is considered likely benign or benign based on one or more of the following criteria: it is a conservative change, it occurs at a poorly conserved position in the protein, it is predicted to be benign by multiple in silico algorithms, and/or has population frequency not consistent with disease.

NM_001037.5(SCN1B):c.-41C>G

Gene: SCN1B (sodium voltage-gated channel beta subunit 1; plus strand). Cytogenetic location: 19q13.11.
Variant type: single nucleotide variant.
Coding change: c.-41C>G on transcript NM_001037.5 (MANE Select); 41 bases upstream of the start codon, C replaced by G.
Molecular consequence: 5 prime UTR variant.
Genome position (GRCh38, 1-based): chr19:35,030,780, C>G. VCF-style: chr19-35030780-C-G. GRCh37 (hg19) VCF-style: chr19-35521684-C-G.
Other names: c.-41C>G (NM_199037.5).
Identifiers: ClinVar variation 513312 (VCV000513312.1), dbSNP rs1330923826, ClinGen allele CA658799177.